The following is an entry in ClinVar:

ClinVar aggregate classification (germline): Likely pathogenic. Review status: criteria provided, multiple submitters, no conflicts (2 of 4 stars). 3 submissions from 3 submitters: Likely pathogenic (3). Last evaluated 2025-12-24.

Conditions:
Primary familial dilated cardiomyopathy (FDC). Also called: Hypokinetic dilated cardiomyopathy, familial; Familial dilated cardiomyopathy. Identifiers: Orphanet 217607, MedGen C0340427, MONDO:0016333.
Cardiovascular phenotype. Identifiers: MedGen CN230736.
Autosomal recessive limb-girdle muscular dystrophy type 2J (LGMDR10). Also called: MUSCULAR DYSTROPHY, LIMB-GIRDLE, AUTOSOMAL RECESSIVE 10; Limb-girdle muscular dystrophy, type 2J. Identifiers: Orphanet 140922, MedGen C1837342, MONDO:0012127, OMIM 608807.
Dilated cardiomyopathy 1G (CMD1G). Identifiers: Orphanet 154, MedGen C1858763, MONDO:0011400, OMIM 604145.

Submissions (3):

Labcorp Genetics (formerly Invitae), Labcorp
Classification: Likely pathogenic for Dilated cardiomyopathy 1G; Autosomal recessive limb-girdle muscular dystrophy type 2J. Last evaluated: 2025-12-24. Review status: criteria provided, single submitter. Criteria: Invitae Variant Classification Sherloc (09022015). Collection method: clinical testing. Allele origin: germline.
Comment: This sequence change creates a premature translational stop signal (p.Ala25190Glnfs*8) in the TTN gene. While this is not anticipated to result in nonsense mediated decay, it is expected to create a truncated TTN protein. This variant is not present in population databases (gnomAD no frequency). This variant has not been reported in the literature in individuals affected with TTN-related conditions. ClinVar contains an entry for this variant (Variation ID: 2566447). This variant is located in the A band of TTN (PMID: 25589632). Truncating variants in this region are significantly overrepresented in patients affected with dilated cardiomyopathy (PMID: 25589632). Truncating variants in this region have also been reported in individuals affected with autosomal recessive centronuclear myopathy (PMID: 23975875). In summary, the currently available evidence indicates that the variant is pathogenic, but additional data are needed to prove that conclusively. Therefore, this variant has been classified as Likely Pathogenic.

Ambry Genetics
Classification: Likely pathogenic for Cardiovascular phenotype. Last evaluated: 2025-09-16. Review status: criteria provided, single submitter. Criteria: Ambry Variant Classification Scheme 2023. Collection method: clinical testing. Allele origin: germline.
Comment: The c.48373delG variant, located in coding exon 153 of the TTN gene, results from a deletion of one nucleotide at nucleotide position 48373, causing a translational frameshift with a predicted alternate stop codon (p.A16125Qfs*8). This exon is located in the A-band region of the N2-B isoform of the titin protein and is constitutively expressed in TTN transcripts (percent spliced in or PSI 100%). This variant was reported in individual(s) with features consistent with dilated cardiomyopathy (Ambry internal data). This variant is considered to be rare based on population cohorts in the Genome Aggregation Database (gnomAD). This variant is expected to result in loss of function by premature protein truncation or nonsense-mediated mRNA decay. While truncating variants in TTN are present in 1-3% of the general population, truncating variants in the A-band are the most common cause of dilated cardiomyopathy (Herman DS et al. N. Engl. J. Med., 2012 Feb;366:619-28; Roberts AM et al. Sci Transl Med, 2015 Jan;7:270ra6). TTN truncating variants encoded in constitutive exons (PSI >90%) have been found to be significantly associated with DCM regardless of their position in titin (Schafer S et al. Nat. Genet., 2017 01;49:46-53; Akhtar MM et al. Circ Heart Fail, 2020 Oct;13:e006832; Massier M et al. Clin Genet, 2025 Jan). Based on the majority of available evidence to date, this variant is likely to be pathogenic.

Women's Health and Genetics/Laboratory Corporation of America, LabCorp
Classification: Likely pathogenic for Primary familial dilated cardiomyopathy. Last evaluated: 2024-09-04. Review status: criteria provided, single submitter. Criteria: LabCorp Variant Classification Summary - May 2015. Collection method: clinical testing. Allele origin: germline.
Comment: Variant summary: TTN c.67864delG (p.Ala22622GlnfsX8) results in a premature termination codon, predicted to cause a truncation of the encoded protein or absence of the protein due to nonsense mediated decay, which are commonly known mechanisms for disease. Nonsense, frameshift, and canonical splice-site variants in TTN are strongly associated with DCM when they affect exons encoding for the A-band region (PMIDs: 22335739, 24503780) and/or exons constitutively expressed (proportion spliced in [PSI]>0.9) in the primary cardiac isoforms (PMIDs: 25589632, 31216868, 32964742, 27869827), which is the case for this variant (located in the A band in an exon with PSI score of 100%). The variant was absent in 247974 control chromosomes (gnomAD). To our knowledge, no occurrence of c.67864delG in individuals affected with Dilated Cardiomyopathy and no experimental evidence demonstrating its impact on protein function have been reported. ClinVar contains an entry for this variant (Variation ID: 2566447). Based on the evidence outlined above, the variant was classified as likely pathogenic.

Literature cited by the submitters: PubMed 25589632 (cited by Labcorp Genetics (formerly Invitae), Labcorp); PubMed 23975875 (cited by Labcorp Genetics (formerly Invitae), Labcorp).

NM_001267550.2(TTN):c.75568del (p.Ala25190fs)

Genes: TTN-AS1 (TTN antisense RNA 1; plus strand), TTN (titin; minus strand). Cytogenetic location: 2q31.2.
Variant type: Deletion.
Coding change: c.75568del on transcript NM_001267550.2 (MANE Select); coding-DNA position 75568, one base deleted (G; older notation c.75568delG).
Protein change: p.Ala25190fs; shifts the reading frame from alanine 25190.
Molecular consequence: frameshift variant.
Genome position (GRCh38, 1-based): chr2:178,570,564, C deleted on the plus strand (G on the coding strand, the reverse complement: TTN is on the minus strand). VCF-style (leftmost placement, unchanged base first): chr2-178570563-GC-G. GRCh37 (hg19) VCF-style: chr2-179435290-GC-G.
Other names: c.70645del, p.Ala23549fs (NM_001256850.1); c.48373del, p.Ala16125fs (NM_003319.4); c.67864del, p.Ala22622fs (NM_133378.4); c.48748del, p.Ala16250fs (NM_133432.3); c.48949del, p.Ala16317fs (NM_133437.4); c.48373delG (NM_003319.4); c.67864delG (NM_133378.4); short protein forms A16125fs, A23549fs, A25190fs, A22622fs, A16250fs, A16317fs.
Identifiers: ClinVar variation 2566447 (VCV002566447.6), dbSNP rs2468455749, ClinGen allele CA2580614451.